The following is an entry in ClinVar:

NM_006059.4(LAMC3):c.2686C>T (p.Arg896Trp)

Gene: LAMC3 (laminin subunit gamma 3; plus strand). Cytogenetic location: 9q34.12.
Variant type: single nucleotide variant.
Coding change: c.2686C>T on transcript NM_006059.4 (MANE Select); coding-DNA position 2686, C replaced by T.
Protein change: p.Arg896Trp; replaces arginine 896 with tryptophan.
Molecular consequence: missense variant.
Genome position (GRCh38, 1-based): chr9:131,068,170, C>T. VCF-style: chr9-131068170-C-T. GRCh37 (hg19) VCF-style: chr9-133943557-C-T.
Other names: c.2686C>T (NM_006059.3); short protein forms R896W.
Identifiers: ClinVar variation 2413806 (VCV002413806.6), dbSNP rs1024488795, ClinGen allele CA200664063.

ClinVar aggregate classification (germline): Uncertain significance. Review status: criteria provided, multiple submitters, no conflicts (2 of 4 stars). 2 submissions from 2 submitters: Uncertain significance (2). Last evaluated 2025-05-20.

Conditions:
Inborn genetic diseases. Identifiers: MedGen C0950123, MeSH D030342.

Allele frequency attached by ClinVar (database versions not stated): gnomAD exomes 0.00001.
gnomAD v4.1: 10 of 1,613,184 alleles (0.00062%); highest among the groups gnomAD compares: African/African-American, 0.0027%; no homozygotes.

Submissions (2):

Ambry Genetics
Classification: Uncertain significance for Inborn genetic diseases. Last evaluated: 2025-05-20. Review status: criteria provided, single submitter. Criteria: Ambry Variant Classification Scheme 2023. Collection method: clinical testing. Allele origin: germline.

Labcorp Genetics (formerly Invitae), Labcorp
Classification: Uncertain significance. Last evaluated: 2022-07-06. Review status: criteria provided, single submitter. Criteria: Invitae Variant Classification Sherloc (09022015). Collection method: clinical testing. Allele origin: germline.
Comment: Algorithms developed to predict the effect of missense changes on protein structure and function are either unavailable or do not agree on the potential impact of this missense change (SIFT: "Deleterious"; PolyPhen-2: "Probably Damaging"; Align-GVGD: "Class C0"). In summary, the available evidence is currently insufficient to determine the role of this variant in disease. Therefore, it has been classified as a Variant of Uncertain Significance. This variant has not been reported in the literature in individuals affected with LAMC3-related conditions. This variant is present in population databases (no rsID available, gnomAD 0.003%). This sequence change replaces arginine, which is basic and polar, with tryptophan, which is neutral and slightly polar, at codon 896 of the LAMC3 protein (p.Arg896Trp).